The following is an entry in ClinVar:

ClinVar aggregate classification (germline): Benign (1 of 4 stars; one submission).

Allele frequency attached by ClinVar (database versions not stated): gnomAD 0.66556 and 0.68002; TOPMed 0.66904; 1000 Genomes Project 30x 0.70315; 1000 Genomes Project 0.71366.
gnomAD v4.1: 103,537 of 152,012 alleles (68%); highest among the groups gnomAD compares: East Asian, 99%; 39,158 homozygotes.

Submission:

GeneDx
Classification: Benign. Last evaluated: 2018-06-14. Review status: criteria provided, single submitter. Criteria: GeneDx Variant Classification (06012015). Collection method: clinical testing. Allele origin: germline. Affected: yes.
Comment: This variant is considered likely benign or benign based on one or more of the following criteria: it is a conservative change, it occurs at a poorly conserved position in the protein, it is predicted to be benign by multiple in silico algorithms, and/or has population frequency not consistent with disease.

NM_001854.4(COL11A1):c.3709-565A>G

Gene: COL11A1 (collagen type XI alpha 1 chain; minus strand). Cytogenetic location: 1p21.1.
Variant type: single nucleotide variant.
Coding change: c.3709-565A>G on transcript NM_001854.4 (MANE Select); 565 bases into the intron before coding-DNA position 3709, A replaced by G.
Molecular consequence: intron variant.
Genome position (GRCh38, 1-based): chr1:102,920,929, T>C on the plus strand (A>G on the coding strand, the complement: COL11A1 is on the minus strand). VCF-style: chr1-102920929-T-C. GRCh37 (hg19) VCF-style: chr1-103386485-T-C.
Other names: c.3592-565A>G (NM_001190709.2); c.3745-565A>G (NM_080629.3); c.3361-565A>G (NM_080630.4).
Identifiers: ClinVar variation 681201 (VCV000681201.1), dbSNP rs10127873, ClinGen allele CA27682060.